The following is an entry in ClinVar:

NM_022436.3(ABCG5):c.1467G>A (p.Thr489=)

Genes: ABCG5 (ATP binding cassette subfamily G member 5; minus strand), DYNC2LI1 (dynein cytoplasmic 2 light intermediate chain 1; plus strand). Cytogenetic location: 2p21.
Variant type: single nucleotide variant.
Coding change: c.1467G>A on transcript NM_022436.3 (MANE Select); coding-DNA position 1467, G replaced by A.
Protein change: p.Thr489=; no amino-acid change (threonine 489 retained).
Molecular consequence: synonymous variant. On other transcripts: intron variant (2).
Genome position (GRCh38, 1-based): chr2:43,820,097, C>T on the plus strand (G>A on the coding strand, the complement: ABCG5 is on the minus strand). VCF-style: chr2-43820097-C-T. GRCh37 (hg19) VCF-style: chr2-44047236-C-T.
Other names: c.*16-7289C>T (NM_001348913.2, NM_001348912.2).
Identifiers: ClinVar variation 1665098 (VCV001665098.10), dbSNP rs765708869, ClinGen allele CA1636250.

ClinVar aggregate classification (germline): Likely benign. Review status: criteria provided, single submitter (1 of 4 stars). 2 submissions from 2 submitters: Likely benign (1). 1 of the submissions does not count toward it. Last evaluated 2025-09-10.

Conditions:
Sitosterolemia (STSL). Also called: PHYTOSTEROLEMIA. Identifiers: Orphanet 2882, MedGen C0342907, MONDO:0008863.
ABCG5-related disorder. Also called: ABCG5-related condition.

Allele frequency attached by ClinVar (database versions not stated): ExAC 0.00003; gnomAD 0.00003 and 0.00002; gnomAD exomes 0.00004.
gnomAD v4.1: 30 of 1,613,458 alleles (0.0019%); highest among the groups gnomAD compares: Admixed American, 0.022%; no homozygotes.

Submissions (2):

Labcorp Genetics (formerly Invitae), Labcorp
Classification: Likely benign for Sitosterolemia. Last evaluated: 2025-09-10. Review status: criteria provided, single submitter. Criteria: Invitae Variant Classification Sherloc (09022015). Collection method: clinical testing. Allele origin: germline.

PreventionGenetics, part of Exact Sciences
Classification: Likely benign for ABCG5-related condition. Last evaluated: 2022-03-31. Review status: no assertion criteria provided. Collection method: clinical testing. Allele origin: germline. Not counted in ClinVar's aggregate classification.
Comment: This variant is classified as likely benign based on ACMG/AMP sequence variant interpretation guidelines (Richards et al. 2015 PMID: 25741868, with internal and published modifications).